The following is an entry in ClinVar:

GRCh37/hg19 Xq22.1-22.3(chrX:102066350-105409822)x1

Genes: BEX1 (brain expressed X-linked 1; minus strand), BEX2 (brain expressed X-linked 2; minus strand), BEX3 (brain expressed X-linked 3; plus strand), BEX4 (brain expressed X-linked 4; plus strand), ESX1 (ESX homeobox 1; minus strand) and 24 more. Cytogenetic location: Xq22.1-22.3.
Variant type: copy number loss.
Change: copy number 1 of chrX:102,066,350-105,409,822 (3.34 Mb, GRCh37 coordinates, 1-based), cytogenetic band Xq22.1-22.3.
Identifiers: ClinVar variation 691848 (VCV000691848.2).

ClinVar aggregate classification (germline): Pathogenic (0 of 4 stars; one submission).

Conditions:
Early Onset Neurological Disease Trait.

Submission:

Lupski Lab, Baylor-Hopkins CMG, Baylor College of Medicine
Classification: Pathogenic for Early Onset Neurological Disease Trait. Review status: no assertion criteria provided. Collection method: research. Allele origin: de novo. Inheritance: X-linked inheritance. Affected: yes. Observed: 1 variant allele.